The following is an entry in ClinVar:

NM_013451.4(MYOF):c.4998C>G (p.Thr1666=)

Gene: MYOF (myoferlin; minus strand). Cytogenetic location: 10q23.33.
Variant type: single nucleotide variant.
Coding change: c.4998C>G on transcript NM_013451.4 (MANE Select); coding-DNA position 4998, C replaced by G.
Protein change: p.Thr1666=; no amino-acid change (threonine 1666 retained).
Molecular consequence: synonymous variant.
Genome position (GRCh38, 1-based): chr10:93,328,896, G>C on the plus strand (C>G on the coding strand, the complement: MYOF is on the minus strand). VCF-style: chr10-93328896-G-C. GRCh37 (hg19) VCF-style: chr10-95088653-G-C.
Other names: c.4959C>G, p.Thr1653= (NM_133337.3).
Identifiers: ClinVar variation 786168 (VCV000786168.6), dbSNP rs34731189, ClinGen allele CA5606839.

ClinVar aggregate classification (germline): Benign. Review status: criteria provided, multiple submitters, no conflicts (2 of 4 stars). 3 submissions from 3 submitters: Benign (2). 1 of the submissions does not count toward it. Last evaluated 2019-12-31.

Conditions:
MYOF-related disorder. Also called: MYOF-related condition.

Allele frequency attached by ClinVar (database versions not stated): ExAC 0.00407; TOPMed 0.01536; gnomAD exomes 0.00130 and 0.00337; gnomAD 0.01326 and 0.01448; 1000 Genomes Project 30x 0.01390; ESP Exome Variant Server 0.01308; 1000 Genomes Project 0.01318.
gnomAD v4.1: 4,011 of 1,610,638 alleles (0.25%); highest among the groups gnomAD compares: African/African-American, 4.8%; 79 homozygotes.

Submissions (3):

Labcorp Genetics (formerly Invitae), Labcorp
Classification: Benign. Last evaluated: 2019-12-31. Review status: criteria provided, single submitter. Criteria: Invitae Variant Classification Sherloc (09022015). Collection method: clinical testing. Allele origin: germline.

Breakthrough Genomics
Classification: Benign. Review status: criteria provided, single submitter. Criteria: ACMG Guidelines, 2015. Collection method: not provided. Allele origin: germline. Inheritance: Autosomal dominant inheritance. Affected: yes.

PreventionGenetics, part of Exact Sciences
Classification: Likely benign for MYOF-related condition. Last evaluated: 2024-07-03. Review status: no assertion criteria provided. Collection method: clinical testing. Allele origin: germline. Not counted in ClinVar's aggregate classification.
Comment: This variant is classified as likely benign based on ACMG/AMP sequence variant interpretation guidelines (Richards et al. 2015 PMID: 25741868, with internal and published modifications).